The following is an entry in ClinVar:

NM_007294.4(BRCA1):c.-14T>C

Gene: BRCA1 (BRCA1 DNA repair associated; minus strand). Cytogenetic location: 17q21.31.
Variant type: single nucleotide variant.
Coding change: c.-14T>C on transcript NM_007294.4 (MANE Select); 14 bases upstream of the start codon, T replaced by C.
Molecular consequence: 5 prime UTR variant. On other transcripts: non-coding transcript variant (1).
Genome position (GRCh38, 1-based): chr17:43,124,110, A>G on the plus strand (T>C on the coding strand, the complement: BRCA1 is on the minus strand). VCF-style: chr17-43124110-A-G. GRCh37 (hg19) VCF-style: chr17-41276127-A-G.
Other names: 106T>C; c.-202T>C (NM_001407571.1, NM_001407853.1, NM_001407879.1 and 42 more transcripts); c.-14T>C (NM_001407581.1, NM_001407582.1, NM_001407583.1 and 169 more transcripts); c.-271T>C (NM_001407694.1, NM_001407724.1, NM_001407727.1 and 11 more transcripts); c.-275T>C (NM_001407695.1, NM_001408465.1); c.-416T>C (NM_001407696.1); c.-300T>C (NM_001407697.1, NM_001407846.1, NM_001407920.1); c.-101T>C (NM_001407698.1, NM_001407732.1, NM_001407736.1 and 21 more transcripts); and 9 more.
Identifiers: ClinVar variation 125478 (VCV000125478.17), dbSNP rs273897661, ClinGen allele CA001005.

ClinVar aggregate classification (germline): Likely benign. Review status: criteria provided, single submitter (1 of 4 stars). 2 submissions from 2 submitters: Likely benign (1). 1 of the submissions does not count toward it. Last evaluated 2025-05-15.

Conditions:
Hereditary breast ovarian cancer syndrome. Also called: Hereditary breast and/or ovarian cancer syndrome; Breast and ovarian cancer; Hereditary breast and ovarian cancer syndrome; Hereditary breast and ovarian cancer; Hereditary breast and ovarian cancer syndrome (HBOC); BRCA1- and BRCA2-Associated Hereditary Breast and Ovarian Cancer. Identifiers: Orphanet 145, MedGen C0677776, MeSH D061325, MONDO:0003582. Disease mechanism: loss of function.
Breast-ovarian cancer, familial, susceptibility to, 1 (BROVCA1). Also called: BRCA1 Hereditary Breast and Ovarian Cancer; OVARIAN CANCER, SUSCEPTIBILITY TO. Identifiers: Orphanet 145, MedGen C2676676, MONDO:0011450, OMIM 604370. Disease mechanism: loss of function.

Submissions (3):

Labcorp Genetics (formerly Invitae), Labcorp
Classification: Likely benign for Hereditary breast ovarian cancer syndrome. Last evaluated: 2025-05-15. Review status: criteria provided, single submitter. Criteria: Invitae Variant Classification Sherloc (09022015). Collection method: clinical testing. Allele origin: germline.

Breast Cancer Information Core (BIC) (BRCA1)
Classification: Uncertain significance for Breast-ovarian cancer, familial 1. Review status: no assertion criteria provided. Collection method: clinical testing. Allele origin: germline. Affected: yes. Observed: 1 variant allele. Not counted in ClinVar's aggregate classification.

Brotman Baty Institute, University of Washington
No classification provided (evidence only). Condition: Breast-ovarian cancer, familial 1. Review status: no classification provided. Collection method: in vitro. Allele origin: not applicable. Functional consequence: functionally_normal. Not counted in ClinVar's aggregate classification.
ClinVar note: "not provided" was previously submitted as the classification for the variant. However, the classification appeared to be based only on an observation of functional data so it was converted to no classification on 2025-07-30.